The following is an entry in ClinVar:

NM_014008.5(CCDC22):c.1770+5G>A

Gene: CCDC22 (CCC complex scaffolding subunit CCDC22; plus strand). Cytogenetic location: Xp11.23.
Variant type: single nucleotide variant.
Coding change: c.1770+5G>A on transcript NM_014008.5 (MANE Select); 5 bases into the intron after coding-DNA position 1770, G replaced by A.
Molecular consequence: intron variant.
Genome position (GRCh38, 1-based): chrX:49,249,730, G>A. VCF-style: chrX-49249730-G-A. GRCh37 (hg19) VCF-style: chrX-49106191-G-A.
Identifiers: ClinVar variation 4686572 (VCV004686572.1).
Genomic context (GRCh38, chrX:49,249,730, plus strand): 5'-AGACCATCGAGGACACAGGCACCATCATGCGGGAGGTTCGAGACCTCGAGGAGCAGGTGA[G>A]GCCTGGGGGCAGGATGGGGAGCCAAGGCGGGCCGGGGGGACAGTTCCTCAGGTTATGCTG-3'

ClinVar aggregate classification (germline): Uncertain significance (1 of 4 stars; one submission).

Conditions:
Ritscher-Schinzel syndrome 2. Identifiers: Orphanet 7, MedGen C4225419, MONDO:0010499, OMIM 300963.

Submission:

Gansu Provincial Maternity and Child Care Hospital
Classification: Uncertain significance for Ritscher-Schinzel syndrome 2. Review status: criteria provided, single submitter. Criteria: ACMG Guidelines, 2015. Collection method: clinical testing. Allele origin: germline. Affected: yes.
Comment: The CCDC22 c.1770+5G>A variant, located near the canonical splice site, is novel and absent from population databases. Through minigene experiments, this variant site has no effect on CCDC22 gene splicing (BS3).This site is not recorded in the gnomAD database (PM2_supporting)